The following is an entry in ClinVar:

NM_000214.3(JAG1):c.61C>G (p.Leu21Val)

Gene: JAG1 (jagged canonical Notch ligand 1; minus strand). Cytogenetic location: 20p12.2.
Variant type: single nucleotide variant.
Coding change: c.61C>G on transcript NM_000214.3 (MANE Select); coding-DNA position 61, C replaced by G.
Protein change: p.Leu21Val; replaces leucine 21 with valine.
Molecular consequence: missense variant.
Genome position (GRCh38, 1-based): chr20:10,673,470, G>C on the plus strand (C>G on the coding strand, the complement: JAG1 is on the minus strand). VCF-style: chr20-10673470-G-C. GRCh37 (hg19) VCF-style: chr20-10654118-G-C.
Other names: short protein forms L21V.
Identifiers: ClinVar variation 2998394 (VCV002998394.5), dbSNP rs2514538966, ClinGen allele CA408244126.
Genomic context (GRCh38, chr20:10,673,470, plus strand): 5'-AGAGGACGGCTGGGAGGGAGGCCCGGAGAAGGGCTCCTACCTTGGCTCGCAGGGCACAGA[G>C]CAGGGCGAGCAGGAGGCTTAGGGGGCGCCCGGACCGGCCGCGCGTCCGTGGGGAACGCAT-3'
Protein context (NP_000205.1, residues 11-31): GRPLSLLLAL[Leu21Val]CALRAKVCGA

ClinVar aggregate classification (germline): Uncertain significance (1 of 4 stars; one submission).

Conditions:
Alagille syndrome due to a JAG1 point mutation. Also called: JAG1-Related Alagille Syndrome; HEPATIC DUCTULAR HYPOPLASIA, SYNDROMATIC; Alagille Syndrome 1. Identifiers: Orphanet 261619, Orphanet 52, MedGen C1956125, MONDO:0016862, OMIM 118450.

Submissions (2):

Labcorp Genetics (formerly Invitae), Labcorp
Classification: Uncertain significance for Alagille syndrome due to a JAG1 point mutation. Last evaluated: 2023-08-10. Review status: criteria provided, single submitter. Criteria: Invitae Variant Classification Sherloc (09022015). Collection method: clinical testing. Allele origin: germline.
Comment: This sequence change replaces leucine, which is neutral and non-polar, with valine, which is neutral and non-polar, at codon 21 of the JAG1 protein (p.Leu21Val). This variant is not present in population databases (gnomAD no frequency). This variant has not been reported in the literature in individuals affected with JAG1-related conditions. Advanced modeling of protein sequence and biophysical properties (such as structural, functional, and spatial information, amino acid conservation, physicochemical variation, residue mobility, and thermodynamic stability) performed at Invitae indicates that this missense variant is not expected to disrupt JAG1 protein function. In summary, the available evidence is currently insufficient to determine the role of this variant in disease. Therefore, it has been classified as a Variant of Uncertain Significance.

Gilbert/Spinner Lab, Children's Hospital of Philadelphia
No classification provided (evidence only). Condition: Alagille syndrome. Review status: no classification provided. Collection method: research. Allele origin: not applicable. Functional consequence: functionally_abnormal. Not counted in ClinVar's aggregate classification.
ClinVar note: "not provided" was previously submitted as the classification for the variant. However, the classification appeared to be based only on an observation of functional data so it was converted to no classification on 2025-07-30.